The following is an entry in ClinVar:

ClinVar aggregate classification (germline): Uncertain significance (1 of 4 stars; one submission).

Conditions:
Myopathy, proximal, and ophthalmoplegia (CMYO6). Also called: MYOPATHY WITH CONGENITAL JOINT CONTRACTURES, OPHTHALMOPLEGIA, AND RIMMED VACUOLES; CONGENITAL MYOPATHY 6 WITH OPHTHALMOPLEGIA; INCLUSION BODY MYOPATHY 3, AUTOSOMAL DOMINANT. Identifiers: Orphanet 363677, Orphanet 79091, MedGen C1854106, MONDO:0011577, OMIM 605637.

Submission:

Labcorp Genetics (formerly Invitae), Labcorp
Classification: Uncertain significance for Myopathy, proximal, and ophthalmoplegia. Last evaluated: 2024-10-22. Review status: criteria provided, single submitter. Criteria: Invitae Variant Classification Sherloc (09022015). Collection method: clinical testing. Allele origin: germline.
Comment: This sequence change falls in intron 30 of the MYH2 gene. It does not directly change the encoded amino acid sequence of the MYH2 protein. This variant is not present in population databases (gnomAD no frequency). This variant has not been reported in the literature in individuals affected with MYH2-related conditions. Algorithms developed to predict the effect of sequence changes on RNA splicing suggest that this variant may disrupt the consensus splice site. In summary, the available evidence is currently insufficient to determine the role of this variant in disease. Therefore, it has been classified as a Variant of Uncertain Significance.

NM_017534.6(MYH2):c.4188-17C>G

Genes: MYH2 (myosin heavy chain 2; minus strand), MYHAS (myosin heavy chain gene cluster antisense RNA; plus strand). Cytogenetic location: 17p13.1.
Variant type: single nucleotide variant.
Coding change: c.4188-17C>G on transcript NM_017534.6 (MANE Select); 17 bases into the intron before coding-DNA position 4188, C replaced by G.
Molecular consequence: intron variant.
Genome position (GRCh38, 1-based): chr17:10,525,893, G>C on the plus strand (C>G on the coding strand, the complement: MYH2 is on the minus strand). VCF-style: chr17-10525893-G-C. GRCh37 (hg19) VCF-style: chr17-10429210-G-C.
Other names: c.4188-17C>G (NM_001100112.2).
Identifiers: ClinVar variation 3623584 (VCV003623584.2).